The following is an entry in ClinVar:

NM_014362.4(HIBCH):c.68T>A (p.Leu23Gln)

Gene: HIBCH (3-hydroxyisobutyryl-CoA hydrolase; minus strand). Cytogenetic location: 2q32.2.
Variant type: single nucleotide variant.
Coding change: c.68T>A on transcript NM_014362.4 (MANE Select); coding-DNA position 68, T replaced by A.
Protein change: p.Leu23Gln; replaces leucine 23 with glutamine.
Molecular consequence: missense variant.
Genome position (GRCh38, 1-based): chr2:190,310,764, A>T on the plus strand (T>A on the coding strand, the complement: HIBCH is on the minus strand). VCF-style: chr2-190310764-A-T. GRCh37 (hg19) VCF-style: chr2-191175490-A-T.
Other names: c.68T>A, p.Leu23Gln (NM_198047.3); short protein forms L23Q.
Identifiers: ClinVar variation 2129776 (VCV002129776.4), dbSNP rs1415490127, ClinGen allele CA349897124.

ClinVar aggregate classification (germline): Uncertain significance (1 of 4 stars; one submission).

Conditions:
3-hydroxyisobutyryl-CoA hydrolase deficiency. Also called: Reduced circulating 3-hydroxyisobutyryl-CoA hydrolase activity; Deficiency of 3-hydroxyisobutyryl CoA hydrolase; HIBCH DEFICIENCY; METHACRYLIC ACID TOXICITY; METHACRYLIC ACIDURIA; VALINE METABOLIC DEFECT. Identifiers: Orphanet 88639, MedGen C0342738, MONDO:0009603, OMIM 250620, HP:6000215.

Allele frequency attached by ClinVar (database versions not stated): gnomAD exomes below 0.00001.
gnomAD v4.1: 1 of 1,609,088 alleles (0.000062%); highest among the groups gnomAD compares: Admixed American, 0.0017%; no homozygotes.

Submission:

Labcorp Genetics (formerly Invitae), Labcorp
Classification: Uncertain significance for 3-hydroxyisobutyryl-CoA hydrolase deficiency. Last evaluated: 2022-08-01. Review status: criteria provided, single submitter. Criteria: Invitae Variant Classification Sherloc (09022015). Collection method: clinical testing. Allele origin: germline.
Comment: This sequence change replaces leucine, which is neutral and non-polar, with glutamine, which is neutral and polar, at codon 23 of the HIBCH protein (p.Leu23Gln). In summary, the available evidence is currently insufficient to determine the role of this variant in disease. Therefore, it has been classified as a Variant of Uncertain Significance. Algorithms developed to predict the effect of missense changes on protein structure and function (SIFT, PolyPhen-2, Align-GVGD) all suggest that this variant is likely to be tolerated. This variant has not been reported in the literature in individuals affected with HIBCH-related conditions. This variant is present in population databases (no rsID available, gnomAD 0.003%).